The following is an entry in ClinVar:

ClinVar aggregate classification (germline): Pathogenic. Review status: criteria provided, multiple submitters, no conflicts (2 of 4 stars). 2 submissions from 2 submitters: Pathogenic (2). Last evaluated 2026-10-06.

Conditions:
Neurofibromatosis, type 1 (NF1). Also called: Neurofibromatosis, type I; VON RECKLINGHAUSEN DISEASE; NEUROFIBROMATOSIS, TYPE I, SOMATIC; Peripheral type neurofibromatosis. Identifiers: Orphanet 636, MedGen C0027831, MONDO:0018975, OMIM 162200. Disease mechanism: loss of function.

Submissions (2):

GeneDx
Classification: Pathogenic. Last evaluated: 2026-10-06. Review status: criteria provided, single submitter. Criteria: GeneDx Variant Classification Process June 2021. Collection method: clinical testing. Allele origin: germline.
Comment: Frameshift variant predicted to result in protein truncation or nonsense mediated decay in a gene for which loss of function is a known mechanism of disease; Not observed at significant frequency in large population cohorts (gnomAD); Observed in an individual with breast cancer (PMID: 26822949); This variant is associated with the following publications: (PMID: 23656349, 26822949)

Labcorp Genetics (formerly Invitae), Labcorp
Classification: Pathogenic for Neurofibromatosis, type 1. Last evaluated: 2024-10-29. Review status: criteria provided, single submitter. Criteria: Invitae Variant Classification Sherloc (09022015). Collection method: clinical testing. Allele origin: germline.
Comment: This sequence change creates a premature translational stop signal (p.Gly1876Valfs*28) in the NF1 gene. It is expected to result in an absent or disrupted protein product. Loss-of-function variants in NF1 are known to be pathogenic (PMID: 10712197, 23913538). This variant is not present in population databases (gnomAD no frequency). This premature translational stop signal has been observed in individual(s) with neurofibromatosis, type 1 or breast cancer (PMID: 23656349, 26822949). This variant is also known as c.5690delG, p.G1897Vfs*28. ClinVar contains an entry for this variant (Variation ID: 1072272). For these reasons, this variant has been classified as Pathogenic.

Literature cited by the submitters: PubMed 10712197 (cited by Labcorp Genetics (formerly Invitae), Labcorp); PubMed 23913538 (cited by Labcorp Genetics (formerly Invitae), Labcorp); PubMed 23656349 (cited by Labcorp Genetics (formerly Invitae), Labcorp); PubMed 26822949 (cited by Labcorp Genetics (formerly Invitae), Labcorp).

NM_001042492.3(NF1):c.5690del (p.Gly1897fs)

Gene: NF1 (neurofibromin 1; plus strand). Cytogenetic location: 17q11.2.
Variant type: Deletion.
Coding change: c.5690del on transcript NM_001042492.3 (MANE Select); coding-DNA position 5690, one base deleted (G; older notation c.5690delG).
Protein change: p.Gly1897fs; shifts the reading frame from glycine 1897.
Molecular consequence: frameshift variant.
Genome position (GRCh38, 1-based): chr17:31,330,376, G deleted; the last of 2 consecutive G bases (chr17:31,330,375-31,330,376); deleting either gives the same sequence. VCF-style (leftmost placement, unchanged base first): chr17-31330374-AG-A. GRCh37 (hg19) VCF-style: chr17-29657392-AG-A.
Other names: c.5627delG, p.Gly1876Valfs (NM_000267.4); short protein forms G1876fs, G1897fs.
Identifiers: ClinVar variation 1072272 (VCV001072272.7), dbSNP rs2151544622, ClinGen allele CA2499224174.
Genomic context (GRCh38, chr17:31,330,374, plus strand): 5'-TCTGTGTGCCTTAACTTGTACCTTTAATTTAAAAATCGAGGGCCAGTTACTAGAGACATC[AG>A]GTTTATGTATCCCTGCCAACAACACCCTCTTTATTGTCTCTATTAGTAAGACACTGGCAG-3'